The following is an entry in ClinVar:

NM_032590.5(KDM2B):c.1054C>G (p.Pro352Ala)

Gene: KDM2B (lysine demethylase 2B; minus strand). Cytogenetic location: 12q24.31.
Variant type: single nucleotide variant.
Coding change: c.1054C>G on transcript NM_032590.5 (MANE Select); coding-DNA position 1054, C replaced by G.
Protein change: p.Pro352Ala; replaces proline 352 with alanine.
Molecular consequence: missense variant.
Genome position (GRCh38, 1-based): chr12:121,513,396, G>C on the plus strand (C>G on the coding strand, the complement: KDM2B is on the minus strand). VCF-style: chr12-121513396-G-C. GRCh37 (hg19) VCF-style: chr12-121951199-G-C.
Other names: c.961C>G, p.Pro321Ala (NM_001005366.2, NM_001439025.1, NM_001439026.1); c.1150C>G, p.Pro384Ala (NM_001439014.1, NM_001439015.1); c.1132C>G, p.Pro378Ala (NM_001439016.1); c.1054C>G, p.Pro352Ala (NM_001439017.1, NM_001439018.1); c.1039C>G, p.Pro347Ala (NM_001439020.1); c.1021C>G, p.Pro341Ala (NM_001439021.1); c.991C>G, p.Pro331Ala (NM_001439022.1, NM_001439023.1, NM_001439029.1); c.943C>G, p.Pro315Ala (NM_001439028.1); short protein forms P341A, P378A, P347A, P384A, P315A, P321A, P331A, P352A.
Identifiers: ClinVar variation 4999355 (VCV004999355.1).
Genomic context (GRCh38, chr12:121,513,396, plus strand): 5'-ACACGTATCTCTCCAGGACATACCAGCACATCTCATAGTAGAAGGGGTAACGGAATTTGG[G>C]CTGCACCTGAAAGCAAAGACGCAGGCAGGCAGAGGTCAGTTTCCAGAGGGCGAAGGGGGA-3'
Protein context (NP_115979.3, residues 342-362): YEIEDRTRVQ[Pro352Ala]KFRYPFYYEM

ClinVar aggregate classification (germline): Uncertain significance (1 of 4 stars; one submission).

Conditions:
KDM2B-related disorder. Also called: KDM2B-related condition.

Submission:

PreventionGenetics, part of Exact Sciences
Classification: Uncertain significance for KDM2B-related condition. Last evaluated: 2025-01-23. Review status: criteria provided, single submitter. Criteria: ACMG Guidelines, 2015. Collection method: clinical testing. Allele origin: germline.
Comment: The KDM2B c.1054C>G variant is predicted to result in the amino acid substitution p.Pro352Ala. To our knowledge, this variant has not been reported in the literature or in a large population database (gnomAD), indicating this variant is rare. At this time, the clinical significance of this variant is uncertain due to the absence of conclusive functional and genetic evidence.